The following is an entry in ClinVar:

NM_052947.4(ALPK2):c.4579A>T (p.Ser1527Cys)

Genes: ALPK2 (alpha kinase 2; minus strand), LOC126862764 (BRD4-independent group 4 enhancer GRCh37_chr18:56202574-56203773; plus strand). Cytogenetic location: 18q21.31.
Variant type: single nucleotide variant.
Coding change: c.4579A>T on transcript NM_052947.4 (MANE Select); coding-DNA position 4579, A replaced by T.
Protein change: p.Ser1527Cys; replaces serine 1527 with cysteine.
Molecular consequence: missense variant.
Genome position (GRCh38, 1-based): chr18:58,535,608, T>A on the plus strand (A>T on the coding strand, the complement: ALPK2 is on the minus strand). VCF-style: chr18-58535608-T-A. GRCh37 (hg19) VCF-style: chr18-56202840-T-A.
Other names: short protein forms S1527C.
Identifiers: ClinVar variation 3228750 (VCV003228750.1), dbSNP rs2518874500, ClinGen allele CA402561270.

ClinVar aggregate classification (germline): Uncertain significance (1 of 4 stars; one submission).

Submission:

Ambry Genetics
Classification: Uncertain significance. Last evaluated: 2023-10-26. Review status: criteria provided, single submitter. Criteria: Ambry Variant Classification Scheme 2023. Collection method: clinical testing. Allele origin: germline.
Comment: The p.S1527C variant (also known as c.4579A>T), located in coding exon 4 of the ALPK2 gene, results from an A to T substitution at nucleotide position 4579. The serine at codon 1527 is replaced by cysteine, an amino acid with dissimilar properties. This amino acid position is conserved. In addition, this alteration is predicted to be tolerated by in silico analysis. Since supporting evidence is limited at this time, the clinical significance of this alteration remains unclear.